The following is an entry in ClinVar:

ClinVar aggregate classification (germline): Uncertain significance (1 of 4 stars; one submission).

gnomAD v4.1: 10 of 1,613,716 alleles (0.00062%); highest among the groups gnomAD compares: South Asian, 0.0077%; no homozygotes.

Submission:

Labcorp Genetics (formerly Invitae), Labcorp
Classification: Uncertain significance. Last evaluated: 2024-01-31. Review status: criteria provided, single submitter. Criteria: Invitae Variant Classification Sherloc (09022015). Collection method: clinical testing. Allele origin: germline.
Comment: This sequence change replaces isoleucine, which is neutral and non-polar, with valine, which is neutral and non-polar, at codon 571 of the ITGAM protein (p.Ile571Val). This variant is present in population databases (no rsID available, gnomAD 0.01%). This variant has not been reported in the literature in individuals affected with ITGAM-related conditions. An algorithm developed to predict the effect of missense changes on protein structure and function (PolyPhen-2) suggests that this variant is likely to be tolerated. In summary, the available evidence is currently insufficient to determine the role of this variant in disease. Therefore, it has been classified as a Variant of Uncertain Significance.

NM_000632.4(ITGAM):c.1711A>G (p.Ile571Val)

Gene: ITGAM (integrin subunit alpha M; plus strand). Cytogenetic location: 16p11.2.
Variant type: single nucleotide variant.
Coding change: c.1711A>G on transcript NM_000632.4 (MANE Select); coding-DNA position 1711, A replaced by G.
Protein change: p.Ile571Val; replaces isoleucine 571 with valine.
Molecular consequence: missense variant.
Genome position (GRCh38, 1-based): chr16:31,321,244, A>G. VCF-style: chr16-31321244-A-G. GRCh37 (hg19) VCF-style: chr16-31332565-A-G.
Other names: c.1714A>G, p.Ile572Val (NM_001145808.2); short protein forms I571V, I572V.
Identifiers: ClinVar variation 3696013 (VCV003696013.2).